The following is an entry in ClinVar:

ClinVar aggregate classification (germline): Uncertain significance (1 of 4 stars; one submission).

Conditions:
Cystic fibrosis (CF). Also called: MUCOVISCIDOSIS. Identifiers: Orphanet 586, MedGen C0010674, MONDO:0009061, OMIM 219700. Disease mechanism: loss of function.

Submission:

Labcorp Genetics (formerly Invitae), Labcorp
Classification: Uncertain significance for Cystic fibrosis. Last evaluated: 2022-06-13. Review status: criteria provided, single submitter. Criteria: Invitae Variant Classification Sherloc (09022015). Collection method: clinical testing. Allele origin: germline.
Comment: This sequence change replaces valine, which is neutral and non-polar, with phenylalanine, which is neutral and non-polar, at codon 510 of the CFTR protein (p.Val510Phe). This variant is not present in population databases (gnomAD no frequency). This variant has not been reported in the literature in individuals affected with CFTR-related conditions. ClinVar contains an entry for this variant (Variation ID: 845846). Algorithms developed to predict the effect of missense changes on protein structure and function (SIFT, PolyPhen-2, Align-GVGD) all suggest that this variant is likely to be tolerated. In summary, the available evidence is currently insufficient to determine the role of this variant in disease. Therefore, it has been classified as a Variant of Uncertain Significance.

NM_000492.4(CFTR):c.1528G>T (p.Val510Phe)

Genes: CFTR (CF transmembrane conductance regulator; plus strand), CFTR-AS1 (CFTR antisense RNA 1; minus strand). Cytogenetic location: 7q31.2.
Variant type: single nucleotide variant.
Coding change: c.1528G>T on transcript NM_000492.4 (MANE Select); coding-DNA position 1528, G replaced by T.
Protein change: p.Val510Phe; replaces valine 510 with phenylalanine.
Molecular consequence: missense variant.
Genome position (GRCh38, 1-based): chr7:117,559,599, G>T. VCF-style: chr7-117559599-G-T. GRCh37 (hg19) VCF-style: chr7-117199653-G-T.
Other names: short protein forms V510F.
Identifiers: ClinVar variation 845846 (VCV000845846.7), dbSNP rs752955846, ClinGen allele CA368984752.